The following is an entry in ClinVar:

NM_017934.7(PHIP):c.1214A>G (p.Asp405Gly)

Gene: PHIP (PHIP subunit of CUL4-Ring ligase complex; minus strand). Cytogenetic location: 6q14.1.
Variant type: single nucleotide variant.
Coding change: c.1214A>G on transcript NM_017934.7 (MANE Select); coding-DNA position 1214, A replaced by G.
Protein change: p.Asp405Gly; replaces aspartic acid 405 with glycine.
Molecular consequence: missense variant.
Genome position (GRCh38, 1-based): chr6:79,016,565, T>C on the plus strand (A>G on the coding strand, the complement: PHIP is on the minus strand). VCF-style: chr6-79016565-T-C. GRCh37 (hg19) VCF-style: chr6-79726282-T-C.
Other names: short protein forms D405G.
Identifiers: ClinVar variation 5000900 (VCV005000900.1).

ClinVar aggregate classification (germline): Uncertain significance (1 of 4 stars; one submission).

Conditions:
PHIP-related disorder. Also called: PHIP-related disorders; PHIP-related condition.

gnomAD v4.1: 5 of 1,609,666 alleles (0.00031%); highest among the groups gnomAD compares: Non-Finnish European, 0.00042%; no homozygotes.

Submission:

PreventionGenetics, part of Exact Sciences
Classification: Uncertain significance for PHIP-related condition. Last evaluated: 2024-12-27. Review status: criteria provided, single submitter. Criteria: ACMG Guidelines, 2015. Collection method: clinical testing. Allele origin: germline.
Comment: The PHIP c.1214A>G variant is predicted to result in the amino acid substitution p.Asp405Gly. To our knowledge, this variant has not been reported in the literature. This variant is reported in 0.00088% of alleles in individuals of European (Non-Finnish) descent in gnomAD. At this time, the clinical significance of this variant is uncertain due to the absence of conclusive functional and genetic evidence.